The following is an entry in ClinVar:

NM_152328.5(ADSS1):c.193-5088G>A

Gene: ADSS1 (adenylosuccinate synthase 1; plus strand). Cytogenetic location: 14q32.33.
Variant type: single nucleotide variant.
Coding change: c.193-5088G>A on transcript NM_152328.5 (MANE Select); 5088 bases into the intron before coding-DNA position 193, G replaced by A.
Molecular consequence: intron variant. On other transcripts: 5 prime UTR variant (1), missense variant (1).
Genome position (GRCh38, 1-based): chr14:104,729,932, G>A. VCF-style: chr14-104729932-G-A. GRCh37 (hg19) VCF-style: chr14-105196269-G-A.
Other names: c.-688G>A (NM_001320424.1); c.40G>A, p.Gly14Arg (NM_199165.2); short protein forms G14R.
Identifiers: ClinVar variation 1681878 (VCV001681878.8), dbSNP rs1475635719, ClinGen allele CA391232397.

ClinVar aggregate classification (germline): Uncertain significance (1 of 4 stars; one submission).

Allele frequency attached by ClinVar (database versions not stated): gnomAD 0.00001; gnomAD exomes 0.00001 and 0.00002; TOPMed 0.00006.
gnomAD v4.1: 6 of 1,559,192 alleles (0.00038%); highest among the groups gnomAD compares: Admixed American, 0.011%; no homozygotes.

Submission:

Labcorp Genetics (formerly Invitae), Labcorp
Classification: Uncertain significance. Last evaluated: 2023-08-10. Review status: criteria provided, single submitter. Criteria: Invitae Variant Classification Sherloc (09022015). Collection method: clinical testing. Allele origin: germline.
Comment: This sequence change replaces glycine, which is neutral and non-polar, with arginine, which is basic and polar, at codon 14 of the ADSSL1 protein (p.Gly14Arg). This variant is present in population databases (no rsID available, gnomAD 0.01%). This variant has not been reported in the literature in individuals affected with ADSSL1-related conditions. ClinVar contains an entry for this variant (Variation ID: 1681878). Experimental studies and prediction algorithms are not available or were not evaluated, and the functional significance of this variant is currently unknown. In summary, the available evidence is currently insufficient to determine the role of this variant in disease. Therefore, it has been classified as a Variant of Uncertain Significance.